The following is an entry in ClinVar:

ClinVar aggregate classification (germline): Uncertain significance (1 of 4 stars; one submission).

Allele frequency attached by ClinVar (database versions not stated): TOPMed below 0.00001; ExAC 0.00001; gnomAD 0.00001; gnomAD exomes 0.00001.
gnomAD v4.1: 14 of 1,614,044 alleles (0.00087%); highest among the groups gnomAD compares: African/African-American, 0.0027%; no homozygotes.

Submission:

Labcorp Genetics (formerly Invitae), Labcorp
Classification: Uncertain significance. Last evaluated: 2024-10-29. Review status: criteria provided, single submitter. Criteria: Invitae Variant Classification Sherloc (09022015). Collection method: clinical testing. Allele origin: germline.
Comment: This sequence change replaces arginine, which is basic and polar, with tryptophan, which is neutral and slightly polar, at codon 300 of the STT3A protein (p.Arg300Trp). This variant is present in population databases (rs764341467, gnomAD 0.003%). This variant has not been reported in the literature in individuals affected with STT3A-related conditions. ClinVar contains an entry for this variant (Variation ID: 1514581). Invitae Evidence Modeling of protein sequence and biophysical properties (such as structural, functional, and spatial information, amino acid conservation, physicochemical variation, residue mobility, and thermodynamic stability) indicates that this missense variant is not expected to disrupt STT3A protein function with a negative predictive value of 80%. In summary, the available evidence is currently insufficient to determine the role of this variant in disease. Therefore, it has been classified as a Variant of Uncertain Significance.

NM_152713.5(STT3A):c.898C>T (p.Arg300Trp)

Gene: STT3A (STT3 oligosaccharyltransferase complex catalytic subunit A; plus strand). Cytogenetic location: 11q24.2.
Variant type: single nucleotide variant.
Coding change: c.898C>T on transcript NM_152713.5 (MANE Select); coding-DNA position 898, C replaced by T.
Protein change: p.Arg300Trp; replaces arginine 300 with tryptophan.
Molecular consequence: missense variant.
Genome position (GRCh38, 1-based): chr11:125,608,226, C>T. VCF-style: chr11-125608226-C-T. GRCh37 (hg19) VCF-style: chr11-125478121-C-T.
Other names: c.898C>T, p.Arg300Trp (NM_001278503.2); c.622C>T, p.Arg208Trp (NM_001278504.2); short protein forms R208W, R300W.
Identifiers: ClinVar variation 1514581 (VCV001514581.6), dbSNP rs764341467, ClinGen allele CA6348951.